The following is an entry in ClinVar:

NC_000016.9:g.(?_1401967)_(1413092_?)del

Gene: GNPTG (N-acetylglucosamine-1-phosphate transferase subunit gamma; plus strand). Cytogenetic location: 16p13.3.
Variant type: Deletion.
Identifiers: ClinVar variation 3243663 (VCV003243663.1).

ClinVar aggregate classification (germline): Pathogenic (1 of 4 stars; one submission).

Submission:

Labcorp Genetics (formerly Invitae), Labcorp
Classification: Pathogenic. Last evaluated: 2023-07-26. Review status: criteria provided, single submitter. Criteria: Invitae Variant Classification Sherloc (09022015). Collection method: clinical testing. Allele origin: unknown.
Comment: For these reasons, this variant has been classified as Pathogenic. This variant has not been reported in the literature in individuals affected with GNPTG-related conditions. A gross deletion of the genomic region encompassing the full coding sequence of the GNPTG gene has been identified. Loss-of-function variants in GNPTG are known to be pathogenic (PMID: 19370764, 20301784). The boundaries of this event are unknown as they extend beyond the assayed region for this gene and therefore may encompass additional genes.

Literature cited by the submitters: PubMed 19370764; PubMed 20301784.